The following is an entry in ClinVar:

ClinVar aggregate classification (germline): Benign. Review status: criteria provided, multiple submitters, no conflicts (2 of 4 stars). 4 submissions from 4 submitters: Benign (4). Last evaluated 2026-02-02.

Allele frequency attached by ClinVar (database versions not stated): 1000 Genomes Project 0.00919; 1000 Genomes Project 30x 0.01093; TOPMed 0.01464; ESP Exome Variant Server 0.01469; gnomAD 0.01516 and 0.01546; gnomAD exomes 0.01682; ExAC 0.01683.
gnomAD v4.1: 29,979 of 1,613,840 alleles (1.9%); highest among the groups gnomAD compares: Middle Eastern, 2.9%; 321 homozygotes.

Submissions (4):

Labcorp Genetics (formerly Invitae), Labcorp
Classification: Benign. Last evaluated: 2026-02-02. Review status: criteria provided, single submitter. Criteria: Invitae Variant Classification Sherloc (09022015). Collection method: clinical testing. Allele origin: germline.

Mayo Clinic Laboratories, Mayo Clinic
Classification: Benign. Last evaluated: 2023-10-19. Review status: criteria provided, single submitter. Criteria: ACMG Guidelines, 2015. Collection method: clinical testing. Allele origin: germline. Observed: 6 variant alleles.
Comment: BS1, BS2, BP4, BP7

GeneDx
Classification: Benign. Last evaluated: 2019-07-24. Review status: criteria provided, single submitter. Criteria: GeneDx Variant Classification Process June 2021. Collection method: clinical testing. Allele origin: germline. Affected: yes.
Comment: This variant is associated with the following publications: (PMID: 20863902, 18248889)

Breakthrough Genomics
Classification: Benign. Review status: criteria provided, single submitter. Criteria: ACMG Guidelines, 2015. Collection method: not provided. Allele origin: germline. Inheritance: Autosomal recessive inheritance. Affected: yes.

Literature cited by the submitters: PubMed 18248889 (cited by Mayo Clinic Laboratories, Mayo Clinic).

NM_003201.3(TFAM):c.183T>C (p.Ser61=)

Gene: TFAM (transcription factor A, mitochondrial; plus strand). Cytogenetic location: 10q21.1.
Variant type: single nucleotide variant.
Coding change: c.183T>C on transcript NM_003201.3 (MANE Select); coding-DNA position 183, T replaced by C.
Protein change: p.Ser61=; no amino-acid change (serine 61 retained).
Molecular consequence: synonymous variant. On other transcripts: non-coding transcript variant (1).
Genome position (GRCh38, 1-based): chr10:58,386,301, T>C. VCF-style: chr10-58386301-T-C. GRCh37 (hg19) VCF-style: chr10-60146061-T-C.
Other names: p.Ser61=; c.183T>C, p.Ser61= (NM_001270782.2).
Identifiers: ClinVar variation 669577 (VCV000669577.12), dbSNP rs78325627, ClinGen allele CA5507883.
Genomic context (GRCh38, chr10:58,386,301, plus strand): 5'-GTTTTCATCTGTCTTGGCAAGTTGTCCAAAGAAACCTGTAAGTTCTTACCTTCGATTTTC[T>C]AAAGAACAACTACCCATATTTAAAGCTCAGAACCCAGGTAAGGAGTTTTGGGGCATATAC-3'
Protein context (NP_003192.1, residues 51-71): KKPVSSYLRF[Ser61=]KEQLPIFKAQ